The following is an entry in ClinVar:

NM_032578.4(MYPN):c.1162C>T (p.Pro388Ser)

Gene: MYPN (myopalladin; plus strand). Cytogenetic location: 10q21.3.
Variant type: single nucleotide variant.
Coding change: c.1162C>T on transcript NM_032578.4 (MANE Select); coding-DNA position 1162, C replaced by T.
Protein change: p.Pro388Ser; replaces proline 388 with serine.
Molecular consequence: missense variant. On other transcripts: non-coding transcript variant (2).
Genome position (GRCh38, 1-based): chr10:68,148,384, C>T. VCF-style: chr10-68148384-C-T. GRCh37 (hg19) VCF-style: chr10-69908141-C-T.
Other names: c.1162C>T, p.Pro388Ser (NM_001256267.2); c.280C>T, p.Pro94Ser (NM_001256268.2); short protein forms P388S, P94S.
Identifiers: ClinVar variation 1737205 (VCV001737205.3), dbSNP rs202210122, ClinGen allele CA5522467.
Genomic context (GRCh38, chr10:68,148,384, plus strand): 5'-TTATAATCTATATTTTAATAATTTCTCAGAATCCAGAAGCCAAATGAGGTGTCATCTCCT[C>T]CCACTACCTCTGCAGTCATTCCTCCAGCAGTACCCCAAGCCCAGCATTTGGTGGCCCAAC-3'
Protein context (NP_115967.2, residues 378-398): IQKPNEVSSP[Pro388Ser]TTSAVIPPAV

ClinVar aggregate classification (germline): Uncertain significance. Review status: criteria provided, multiple submitters, no conflicts (2 of 4 stars). 2 submissions from 2 submitters: Uncertain significance (2). Last evaluated 2023-08-19.

Conditions:
Cardiovascular phenotype. Identifiers: MedGen CN230736.

Allele frequency attached by ClinVar (database versions not stated): TOPMed below 0.00001; ExAC 0.00001; gnomAD 0.00001; 1000 Genomes Project 30x 0.00016; 1000 Genomes Project 0.00020.
gnomAD v4.1: 1 of 1,614,060 alleles (0.000062%); highest among the groups gnomAD compares: African/African-American, 0.0013%; no homozygotes.

Submissions (2):

Women's Health and Genetics/Laboratory Corporation of America, LabCorp
Classification: Uncertain significance. Last evaluated: 2023-08-19. Review status: criteria provided, single submitter. Criteria: LabCorp Variant Classification Summary - May 2015. Collection method: clinical testing. Allele origin: germline.

Ambry Genetics
Classification: Uncertain significance for Cardiovascular phenotype. Last evaluated: 2022-04-03. Review status: criteria provided, single submitter. Criteria: Ambry Variant Classification Scheme 2023. Collection method: clinical testing. Allele origin: germline.
Comment: The p.P388S variant (also known as c.1162C>T), located in coding exon 4 of the MYPN gene, results from a C to T substitution at nucleotide position 1162. The proline at codon 388 is replaced by serine, an amino acid with similar properties. This amino acid position is conserved. In addition, this alteration is predicted to be tolerated by in silico analysis. Since supporting evidence is limited at this time, the clinical significance of this alteration remains unclear.